The following is an entry in ClinVar:

ClinVar aggregate classification (germline): Uncertain significance (1 of 4 stars; one submission).

Allele frequency attached by ClinVar (database versions not stated): gnomAD exomes below 0.00001.
gnomAD v4.1: 1 of 1,614,174 alleles (0.000062%); highest among the groups gnomAD compares: East Asian, 0.0022%; no homozygotes.

Submission:

Labcorp Genetics (formerly Invitae), Labcorp
Classification: Uncertain significance. Last evaluated: 2021-04-26. Review status: criteria provided, single submitter. Criteria: Invitae Variant Classification Sherloc (09022015). Collection method: clinical testing. Allele origin: germline.
Comment: This sequence change replaces glutamine with arginine at codon 911 of the POLE protein (p.Gln911Arg). The glutamine residue is moderately conserved and there is a small physicochemical difference between glutamine and arginine. In summary, the available evidence is currently insufficient to determine the role of this variant in disease. Therefore, it has been classified as a Variant of Uncertain Significance. Algorithms developed to predict the effect of missense changes on protein structure and function (SIFT, PolyPhen-2, Align-GVGD) all suggest that this variant is likely to be tolerated, but these predictions have not been confirmed by published functional studies and their clinical significance is uncertain. This variant has not been reported in the literature in individuals with POLE-related conditions. This variant is not present in population databases (ExAC no frequency).

NM_006231.4(POLE):c.2732A>G (p.Gln911Arg)

Gene: POLE (DNA polymerase epsilon, catalytic subunit; minus strand). Cytogenetic location: 12q24.33.
Variant type: single nucleotide variant.
Coding change: c.2732A>G on transcript NM_006231.4 (MANE Select); coding-DNA position 2732, A replaced by G.
Protein change: p.Gln911Arg; replaces glutamine 911 with arginine.
Molecular consequence: missense variant.
Genome position (GRCh38, 1-based): chr12:132,661,659, T>C on the plus strand (A>G on the coding strand, the complement: POLE is on the minus strand). VCF-style: chr12-132661659-T-C. GRCh37 (hg19) VCF-style: chr12-133238245-T-C.
Other names: short protein forms Q911R.
Identifiers: ClinVar variation 1389915 (VCV001389915.8), dbSNP rs1348033236, ClinGen allele CA387393987.